The following is an entry in ClinVar:

NM_012330.4(KAT6B):c.3276GGA[1] (p.Glu1104del)

Gene: KAT6B (lysine acetyltransferase 6B; plus strand). Cytogenetic location: 10q22.2.
Variant type: Microsatellite.
Coding change: c.3276GGA[1] on transcript NM_012330.4 (MANE Select); one copy of the 3-base unit GGA starting at c.3276; the reference has two copies in a row; one copy, 3 bases deleted.
Protein change: p.Glu1104del; deletes glutamic acid 1104.
Genome position (GRCh38, 1-based): chr10:75,022,138-75,022,140, GGA deleted; deleting any 3 consecutive bases within chr10:75,022,133-75,022,140 gives the same sequence; the position shown is the placement nearest the transcript's 3' end. VCF-style (leftmost placement, unchanged base first): chr10-75022132-AGAG-A. GRCh37 (hg19) VCF-style: chr10-76781890-AGAG-A.
Other names: c.2727GGA[1], p.Glu921del (NM_001256468.2, NM_001370138.1); c.2400GGA[1], p.Glu812del (NM_001256469.2, NM_001370139.1, NM_001370140.1 and 2 more transcripts); c.2238GGA[1], p.Glu758del (NM_001370132.1); c.1587GGA[1], p.Glu541del (NM_001370133.1); c.1191GGA[1], p.Glu409del (NM_001370134.1); c.933GGA[1], p.Glu323del (NM_001370135.1); c.3276GGA[1], p.Glu1104del (NM_001370136.1, NM_001370137.1); c.2211GGA[1], p.Glu749del (NM_001370143.1, NM_001370144.1); short protein forms E1104del, E323del, E409del, E541del, E749del, E758del, E812del, E921del.
Identifiers: ClinVar variation 3051984 (VCV003051984.2), dbSNP rs1166187787, ClinGen allele CA668386108.
Genomic context (GRCh38, chr10:75,022,132, plus strand): 5'-AGAAGAGGAGGAGGAGGACGAGGAGGAGGAAGAAGAGGAGGAAGAAGAGGAAGAGGATGA[AGAG>A]GAGGAAGAAGAGGAAGAAGAAGAAGAAGAAGAAGAAAATATTCAAAGCTCTCCCCCAAGA-3'

ClinVar aggregate classification (germline): Likely benign (0 of 4 stars; one submission).

Conditions:
KAT6B-related disorder. Also called: KAT6B-related disorders; KAT6B-related condition.

Submission:

PreventionGenetics, part of Exact Sciences
Classification: Likely benign for KAT6B-related condition. Last evaluated: 2023-09-06. Review status: no assertion criteria provided. Collection method: clinical testing. Allele origin: germline.
Comment: This variant is classified as likely benign based on ACMG/AMP sequence variant interpretation guidelines (Richards et al. 2015 PMID: 25741868, with internal and published modifications).